The following is an entry in ClinVar:

ClinVar aggregate classification (germline): Uncertain significance (1 of 4 stars; one submission).

Conditions:
Anophthalmia-microphthalmia syndrome. Also called: Anophthalmia/Microphthalmia; Anophthalmia - microphthalmia. Identifiers: Orphanet 98555, MedGen C5680330, MONDO:0020147.

Submission:

Labcorp Genetics (formerly Invitae), Labcorp
Classification: Uncertain significance for Anophthalmia-microphthalmia syndrome. Last evaluated: 2024-07-22. Review status: criteria provided, single submitter. Criteria: Invitae Variant Classification Sherloc (09022015). Collection method: clinical testing. Allele origin: germline.
Comment: This sequence change replaces glycine, which is neutral and non-polar, with aspartic acid, which is acidic and polar, at codon 21 of the OTX2 protein (p.Gly21Asp). This variant is present in population databases (rs745822138, gnomAD 0.005%). This variant has not been reported in the literature in individuals affected with OTX2-related conditions. An algorithm developed to predict the effect of missense changes on protein structure and function (PolyPhen-2) suggests that this variant is likely to be tolerated. In summary, the available evidence is currently insufficient to determine the role of this variant in disease. Therefore, it has been classified as a Variant of Uncertain Significance.

NM_021728.4(OTX2):c.62G>A (p.Gly21Asp)

Gene: OTX2 (orthodenticle homeobox 2; minus strand). Cytogenetic location: 14q22.3.
Variant type: single nucleotide variant.
Coding change: c.62G>A on transcript NM_021728.4 (MANE Select); coding-DNA position 62, G replaced by A.
Protein change: p.Gly21Asp; replaces glycine 21 with aspartic acid.
Molecular consequence: missense variant. On other transcripts: non-coding transcript variant (2).
Genome position (GRCh38, 1-based): chr14:56,805,395, C>T on the plus strand (G>A on the coding strand, the complement: OTX2 is on the minus strand). VCF-style: chr14-56805395-C-T. GRCh37 (hg19) VCF-style: chr14-57272113-C-T.
Other names: c.62G>A, p.Gly21Asp (NM_001270523.2, NM_001270524.2, NM_001270525.2 and 1 more transcripts); short protein forms G21D.
Identifiers: ClinVar variation 3621676 (VCV003621676.2).